The following is an entry in ClinVar:

NM_000535.7(PMS2):c.2287G>A (p.Glu763Lys)

Gene: PMS2 (PMS1 homolog 2, mismatch repair system component; minus strand). Cytogenetic location: 7p22.1.
Variant type: single nucleotide variant.
Coding change: c.2287G>A on transcript NM_000535.7 (MANE Select); coding-DNA position 2287, G replaced by A.
Protein change: p.Glu763Lys; replaces glutamic acid 763 with lysine.
Molecular consequence: missense variant.
Genome position (GRCh38, 1-based): chr7:5,977,746, C>T on the plus strand (G>A on the coding strand, the complement: PMS2 is on the minus strand). VCF-style: chr7-5977746-C-T. GRCh37 (hg19) VCF-style: chr7-6017377-C-T.
Other names: c.1882G>A, p.Glu628Lys (NM_001322003.2, NM_001322004.2, NM_001322005.2); c.2131G>A, p.Glu711Lys (NM_001322006.2); c.1969G>A, p.Glu657Lys (NM_001322007.2, NM_001322008.2); c.1915G>A, p.Glu639Lys (NM_001322009.2); c.1726G>A, p.Glu576Lys (NM_001322010.2); c.1354G>A, p.Glu452Lys (NM_001322011.2, NM_001322012.2); c.1714G>A, p.Glu572Lys (NM_001322013.2); c.2320G>A, p.Glu774Lys (NM_001322014.2); and 1 more; short protein forms E763K, E576K, E639K, E452K, E572K, E657K, E711K, E628K.
Identifiers: ClinVar variation 127776 (VCV000127776.23), dbSNP rs587780051, ClinGen allele CA011191.

ClinVar aggregate classification (germline): Uncertain significance. Review status: criteria provided, multiple submitters, no conflicts (2 of 4 stars). 7 submissions from 7 submitters: Uncertain significance (7). Last evaluated 2026-01-07.

Conditions:
Hereditary nonpolyposis colorectal neoplasms. Identifiers: MedGen C0009405, MeSH D003123.
Hereditary cancer-predisposing syndrome. Also called: Hereditary neoplastic syndrome; Neoplastic Syndromes, Hereditary; Hereditary Cancer Syndrome; Tumor predisposition. Identifiers: Orphanet 140162, MedGen C0027672, MeSH D009386, MONDO:0015356.
Lynch syndrome 4 (LYNCH4). Also called: Colorectal cancer, hereditary nonpolyposis, type 4; Hereditary non-polyposis colorectal cancer, type 4. Identifiers: Orphanet 144, MedGen C1838333, MONDO:0013699, OMIM 614337. Disease mechanism: loss of function.

Allele frequency attached by ClinVar (database versions not stated): gnomAD exomes below 0.00001 and 0.00002; ExAC 0.00002; gnomAD 0.00003 and 0.00004; TOPMed 0.00004.

Submissions (7):

Labcorp Genetics (formerly Invitae), Labcorp
Classification: Uncertain significance for Hereditary nonpolyposis colorectal neoplasms. Last evaluated: 2026-01-07. Review status: criteria provided, single submitter. Criteria: Invitae Variant Classification Sherloc (09022015). Collection method: clinical testing. Allele origin: germline.
Comment: This sequence change replaces glutamic acid, which is acidic and polar, with lysine, which is basic and polar, at codon 763 of the PMS2 protein (p.Glu763Lys). The frequency data for this variant in the population databases (gnomAD) is considered unreliable due to the presence of homologous sequence, such as pseudogenes or paralogs, in the genome. This missense change has been observed in individual(s) with suspected Lynch syndrome (PMID: 31391288). ClinVar contains an entry for this variant (Variation ID: 127776). Invitae Evidence Modeling of protein sequence and biophysical properties (such as structural, functional, and spatial information, amino acid conservation, physicochemical variation, residue mobility, and thermodynamic stability) indicates that this missense variant is not expected to disrupt PMS2 protein function with a negative predictive value of 80%. RNA analysis provides insufficient evidence to determine the effect of this variant on PMS2 splicing (internal data). In summary, the available evidence is currently insufficient to determine the role of this variant in disease. Therefore, it has been classified as a Variant of Uncertain Significance.

Color Diagnostics, LLC DBA Color Health
Classification: Uncertain significance for Hereditary cancer-predisposing syndrome. Last evaluated: 2025-06-25. Review status: criteria provided, single submitter. Criteria: ACMG Guidelines, 2015. Collection method: clinical testing. Allele origin: germline.
Comment: This missense variant replaces glutamic acid with lysine at codon 763 of the PMS2 protein. Computational prediction suggests that this variant may not impact protein structure and function. To our knowledge, functional studies have not been reported for this variant. This variant has been reported in an individual affected with unspecified cancer and predicted to be Likely Benign based on tumor characteristics (PMID: 31391288). This variant has been identified in 5/280964 chromosomes in the general population by the Genome Aggregation Database (gnomAD). The available evidence is insufficient to determine the role of this variant in disease conclusively. Therefore, this variant is classified as a Variant of Uncertain Significance.

Women's Health and Genetics/Laboratory Corporation of America, LabCorp
Classification: Uncertain significance. Last evaluated: 2025-03-24. Review status: criteria provided, single submitter. Criteria: LabCorp Variant Classification Summary - May 2015. Collection method: clinical testing. Allele origin: germline.
Comment: Variant summary: PMS2 c.2287G>A (p.Glu763Lys) results in a conservative amino acid change in the encoded protein sequence. Four of five in-silico tools predict a benign effect of the variant on protein function. The variant allele was found at a frequency of 1.6e-05 in 250028 control chromosomes. The available data on variant occurrences in the general population are insufficient to allow any conclusion about variant significance. c.2287G>A has been reported in the literature in individual(s) affected with likely Lynch Syndrome, without strong evidence for causality (Li_2020). These report(s) do not provide unequivocal conclusions about association of the variant with Hereditary Nonpolyposis Colorectal Cancer. To our knowledge, no experimental evidence demonstrating an impact on protein function has been reported. The following publication has been ascertained in the context of this evaluation (PMID: 31391288). ClinVar contains an entry for this variant (Variation ID: 127776). Based on the evidence outlined above, the variant was classified as uncertain significance.

GeneDx
Classification: Uncertain significance. Last evaluated: 2024-07-17. Review status: criteria provided, single submitter. Criteria: GeneDx Variant Classification Process June 2021. Collection method: clinical testing. Allele origin: germline. Affected: yes.
Comment: In silico analysis indicates that this missense variant does not alter protein structure/function; In silico analysis suggests this variant may impact gene splicing. In the absence of RNA/functional studies, the actual effect of this sequence change is unknown.; Has not been previously published as pathogenic or benign to our knowledge; This variant is associated with the following publications: (PMID: 21552516)

Ambry Genetics
Classification: Uncertain significance for Hereditary cancer-predisposing syndrome. Last evaluated: 2024-05-03. Review status: criteria provided, single submitter. Criteria: Ambry Variant Classification Scheme 2023. Collection method: clinical testing. Allele origin: germline.
Comment: The p.E763K variant (also known as c.2287G>A), located in coding exon 14 of the PMS2 gene, results from a G to A substitution at nucleotide position 2287. The glutamic acid at codon 763 is replaced by lysine, an amino acid with similar properties. This amino acid position is not well conserved in available vertebrate species. In addition, this alteration is predicted to be tolerated by in silico analysis. Based on the available evidence, the clinical significance of this variant remains unclear.

Baylor Genetics
Classification: Uncertain significance for Lynch syndrome 4. Last evaluated: 2024-02-24. Review status: criteria provided, single submitter. Criteria: ACMG Guidelines, 2015. Collection method: clinical testing. Allele origin: unknown.

Quest Diagnostics Nichols Institute San Juan Capistrano
Classification: Uncertain significance. Last evaluated: 2018-01-29. Review status: criteria provided, single submitter. Criteria: Quest Diagnostics criteria. Collection method: clinical testing. Allele origin: germline.

Literature cited by the submitters: PubMed 31391288 (cited by 3 submitters).